The following is an entry in ClinVar:

NM_138694.4(PKHD1):c.3419A>T (p.Asp1140Val)

Gene: PKHD1 (PKHD1 ciliary IPT domain containing fibrocystin/polyductin; minus strand). Cytogenetic location: 6p12.2.
Variant type: single nucleotide variant.
Coding change: c.3419A>T on transcript NM_138694.4 (MANE Select); coding-DNA position 3419, A replaced by T.
Protein change: p.Asp1140Val; replaces aspartic acid 1140 with valine.
Molecular consequence: missense variant.
Genome position (GRCh38, 1-based): chr6:52,028,297, T>A on the plus strand (A>T on the coding strand, the complement: PKHD1 is on the minus strand). VCF-style: chr6-52028297-T-A. GRCh37 (hg19) VCF-style: chr6-51893095-T-A.
Other names: c.3419A>T, p.Asp1140Val (NM_170724.3); short protein forms D1140V.
Identifiers: ClinVar variation 1481023 (VCV001481023.6), dbSNP rs774570785, ClinGen allele CA3852943.
Genomic context (GRCh38, chr6:52,028,297, plus strand): 5'-AGGCCCCAAGCCGACTGTGTGTGAACCGGAGCCAAGGCATCCTGGACGTGGACTTCCACA[T>A]CCAAATCCGTATAGTTCATCAGCCTCGCCACTCCAATGACCAGGGTCTCACCGCCTGTGT-3'
Protein context (NP_619639.3, residues 1130-1150): VARLMNYTDL[Asp1140Val]VEVHVQDALA

ClinVar aggregate classification (germline): Uncertain significance. Review status: criteria provided, multiple submitters, no conflicts (2 of 4 stars). 2 submissions from 2 submitters: Uncertain significance (2). Last evaluated 2022-04-16.

Conditions:
Polycystic kidney disease 4 (PKD4). Also called: POLYCYSTIC KIDNEY DISEASE 4 WITH OR WITHOUT POLYCYSTIC LIVER DISEASE; POLYCYSTIC KIDNEY AND HEPATIC DISEASE 1; POLYCYSTIC KIDNEY DISEASE, INFANTILE, TYPE I; PKD3; Autosomal Recessive Polycystic Kidney Disease – PKHD1. Identifiers: MedGen C4540575, MONDO:0033004, OMIM 263200.
Autosomal recessive polycystic kidney disease (ARPKD). Also called: AR polycystic kidney disease. Identifiers: Orphanet 731, Orphanet 8378, MedGen C0085548, MeSH D017044, MONDO:0009889.

Allele frequency attached by ClinVar (database versions not stated): ExAC 0.00001; gnomAD exomes 0.00001 and 0.00003; gnomAD 0.00002; TOPMed 0.00002.
gnomAD v4.1: 17 of 1,613,972 alleles (0.0011%); highest among the groups gnomAD compares: Admixed American, 0.018%; no homozygotes.

Submissions (2):

Fulgent Genetics
Classification: Uncertain significance for Polycystic kidney disease 4. Last evaluated: 2022-04-16. Review status: criteria provided, single submitter. Criteria: ACMG Guidelines, 2015. Collection method: clinical testing. Allele origin: unknown.

Labcorp Genetics (formerly Invitae), Labcorp
Classification: Uncertain significance for Autosomal recessive polycystic kidney disease. Last evaluated: 2021-12-03. Review status: criteria provided, single submitter. Criteria: Invitae Variant Classification Sherloc (09022015). Collection method: clinical testing. Allele origin: germline.
Comment: This sequence change replaces aspartic acid, which is acidic and polar, with valine, which is neutral and non-polar, at codon 1140 of the PKHD1 protein (p.Asp1140Val). This variant is present in population databases (rs774570785, gnomAD 0.02%). This variant has not been reported in the literature in individuals affected with PKHD1-related conditions. Advanced modeling of protein sequence and biophysical properties (such as structural, functional, and spatial information, amino acid conservation, physicochemical variation, residue mobility, and thermodynamic stability) performed at Invitae indicates that this missense variant is not expected to disrupt PKHD1 protein function. In summary, the available evidence is currently insufficient to determine the role of this variant in disease. Therefore, it has been classified as a Variant of Uncertain Significance.